The following is an entry in ClinVar:

NM_152783.5(D2HGDH):c.1396G>T (p.Ala466Ser)

Gene: D2HGDH (D-2-hydroxyglutarate dehydrogenase; plus strand). Cytogenetic location: 2q37.3.
Variant type: single nucleotide variant.
Coding change: c.1396G>T on transcript NM_152783.5 (MANE Select); coding-DNA position 1396, G replaced by T.
Protein change: p.Ala466Ser; replaces alanine 466 with serine.
Molecular consequence: missense variant. On other transcripts: non-coding transcript variant (1).
Genome position (GRCh38, 1-based): chr2:241,767,799, G>T. VCF-style: chr2-241767799-G-T. GRCh37 (hg19) VCF-style: chr2-242707214-G-T.
Other names: p.Ala466Ser; c.994G>T, p.Ala332Ser (NM_001287249.2); c.835G>T, p.Ala279Ser (NM_001352824.2); short protein forms A332S, A279S, A466S.
Identifiers: ClinVar variation 4009141 (VCV004009141.2).

ClinVar aggregate classification (germline): Uncertain significance. Review status: criteria provided, multiple submitters, no conflicts (2 of 4 stars). 2 submissions from 2 submitters: Uncertain significance (2). Last evaluated 2025-03-26.

Conditions:
Inborn genetic diseases. Identifiers: MedGen C0950123, MeSH D030342.

Submissions (2):

Ambry Genetics
Classification: Uncertain significance for Inborn genetic diseases. Last evaluated: 2025-03-26. Review status: criteria provided, single submitter. Criteria: Ambry Variant Classification Scheme 2023. Collection method: clinical testing. Allele origin: germline.

Mayo Clinic Laboratories, Mayo Clinic
Classification: Uncertain significance. Last evaluated: 2025-01-14. Review status: criteria provided, single submitter. Criteria: ACMG Guidelines, 2015. Collection method: clinical testing. Allele origin: germline. Observed: 1 variant allele.
Comment: BP4, PM2_supporting